The following is an entry in ClinVar:

NM_001377.3(DYNC2H1):c.3746A>T (p.Asp1249Val)

Gene: DYNC2H1 (dynein cytoplasmic 2 heavy chain 1; plus strand). Cytogenetic location: 11q22.3.
Variant type: single nucleotide variant.
Coding change: c.3746A>T on transcript NM_001377.3 (MANE Select); coding-DNA position 3746, A replaced by T.
Protein change: p.Asp1249Val; replaces aspartic acid 1249 with valine.
Molecular consequence: missense variant.
Genome position (GRCh38, 1-based): chr11:103,156,389, A>T. VCF-style: chr11-103156389-A-T. GRCh37 (hg19) VCF-style: chr11-103027118-A-T.
Other names: c.3746A>T, p.Asp1249Val (NM_001080463.2); short protein forms D1249V.
Identifiers: ClinVar variation 975383 (VCV000975383.8), dbSNP rs371037205, ClinGen allele CA6253398.

ClinVar aggregate classification (germline): Uncertain significance. Review status: criteria provided, multiple submitters, no conflicts (2 of 4 stars). 6 submissions from 6 submitters: Uncertain significance (3). 3 of the submissions do not count toward it. Last evaluated 2024-11-13.

Conditions:
Jeune thoracic dystrophy. Also called: Jeune syndrome; Infantile thoracic dystrophy; Thoracic pelvic phalangeal dystrophy; Jeune's syndrome; Chondroectodermal dysplasia-like syndrome; Short-rib thoracic dysplasia. Identifiers: Orphanet 474, MedGen C0265275, MONDO:0018770.
Intellectual disability. Also called: Intellectual functioning disability; Intellectual developmental disorder; intellectual disabilities. Identifiers: MedGen C3714756, MeSH D008607, MONDO:0001071, HP:0001249.
Asphyxiating thoracic dystrophy 3. Also called: POLYDACTYLY WITH NEONATAL CHONDRODYSTROPHY, TYPE I; SHORT-RIB THORACIC DYSPLASIA 3/6 WITH POLYDACTYLY, DIGENIC; Short rib polydactyly syndrome 2B; SHORT-RIB THORACIC DYSPLASIA 3 WITH OR WITHOUT POLYDACTYLY; Saldino-Noonan Syndrome. Identifiers: Orphanet 474, Orphanet 93269, Orphanet 93270, Orphanet 93271, MedGen C0036069, MONDO:0013127, OMIM 613091.

Allele frequency attached by ClinVar (database versions not stated): gnomAD 0.00003; gnomAD exomes 0.00003 and 0.00007; ExAC 0.00004; TOPMed 0.00008; ESP Exome Variant Server 0.00025.
gnomAD v4.1: 59 of 1,611,898 alleles (0.0037%); highest among the groups gnomAD compares: Middle Eastern, 0.066%; no homozygotes.

Submissions (6):

Blueprint Genetics
Classification: Uncertain significance. Last evaluated: 2024-11-13. Review status: criteria provided, single submitter. Criteria: ACMG Guidelines, 2015. Collection method: clinical testing. Allele origin: germline.

Labcorp Genetics (formerly Invitae), Labcorp
Classification: Uncertain significance for Jeune thoracic dystrophy. Last evaluated: 2022-10-13. Review status: criteria provided, single submitter. Criteria: Invitae Variant Classification Sherloc (09022015). Collection method: clinical testing. Allele origin: germline.
Comment: This sequence change replaces aspartic acid, which is acidic and polar, with valine, which is neutral and non-polar, at codon 1249 of the DYNC2H1 protein (p.Asp1249Val). This variant is present in population databases (rs371037205, gnomAD 0.02%). This variant has not been reported in the literature in individuals affected with DYNC2H1-related conditions. ClinVar contains an entry for this variant (Variation ID: 975383). Algorithms developed to predict the effect of missense changes on protein structure and function are either unavailable or do not agree on the potential impact of this missense change (SIFT: "Deleterious"; PolyPhen-2: "Benign"; Align-GVGD: "Class C25"). In summary, the available evidence is currently insufficient to determine the role of this variant in disease. Therefore, it has been classified as a Variant of Uncertain Significance.

Fulgent Genetics
Classification: Uncertain significance for Asphyxiating thoracic dystrophy 3. Last evaluated: 2022-04-27. Review status: criteria provided, single submitter. Criteria: ACMG Guidelines, 2015. Collection method: clinical testing. Allele origin: unknown.

Centre de Biologie Pathologie Génétique, Centre Hospitalier Universitaire de Lille
Classification: Likely benign for Intellectual disability. Last evaluated: 2019-01-01. Review status: no assertion criteria provided. Collection method: clinical testing. Allele origin: inherited. Affected: yes. Not counted in ClinVar's aggregate classification.

Clinical Genetics DNA and cytogenetics Diagnostics Lab, Erasmus MC, Erasmus Medical Center
Classification: Uncertain significance. Review status: no assertion criteria provided. Collection method: clinical testing. Allele origin: germline. Affected: yes. Study: VKGL Data-share Consensus. Not counted in ClinVar's aggregate classification.

Laboratory of Diagnostic Genome Analysis, Leiden University Medical Center (LUMC)
Classification: Uncertain significance. Review status: no assertion criteria provided. Collection method: clinical testing. Allele origin: germline. Affected: yes. Study: VKGL Data-share Consensus. Not counted in ClinVar's aggregate classification.